The following is an entry in ClinVar:

NM_006440.5(TXNRD2):c.650C>T (p.Ser217Phe)

Gene: TXNRD2 (thioredoxin reductase 2; minus strand). Cytogenetic location: 22q11.21.
Variant type: single nucleotide variant.
Coding change: c.650C>T on transcript NM_006440.5 (MANE Select); coding-DNA position 650, C replaced by T.
Protein change: p.Ser217Phe; replaces serine 217 with phenylalanine.
Molecular consequence: missense variant. On other transcripts: non-coding transcript variant (1).
Genome position (GRCh38, 1-based): chr22:19,911,389, G>A on the plus strand (C>T on the coding strand, the complement: TXNRD2 is on the minus strand). VCF-style: chr22-19911389-G-A. GRCh37 (hg19) VCF-style: chr22-19898912-G-A.
Other names: c.362C>T, p.Ser121Phe (NM_001352302.2); c.554C>T, p.Ser185Phe (NM_001352303.2); c.650C>T, p.Ser217Phe (NM_001282512.3); c.647C>T, p.Ser216Phe (NM_001352300.2); c.560C>T, p.Ser187Phe (NM_001352301.2); short protein forms S216F, S217F, S121F, S187F, S185F.
Identifiers: ClinVar variation 3009286 (VCV003009286.3), dbSNP rs201913959, ClinGen allele CA410691123.

ClinVar aggregate classification (germline): Uncertain significance (1 of 4 stars; one submission).

Conditions:
Primary dilated cardiomyopathy (DCM). Also called: Dilated Cardiomyopathy. Identifiers: Orphanet 217604, MedGen C0007193, MeSH D002311, MONDO:0005021, HP:0001644. Inheritance: Various modes of inheritance.

Submission:

Labcorp Genetics (formerly Invitae), Labcorp
Classification: Uncertain significance for Primary dilated cardiomyopathy. Last evaluated: 2023-02-16. Review status: criteria provided, single submitter. Criteria: Invitae Variant Classification Sherloc (09022015). Collection method: clinical testing. Allele origin: germline.
Comment: This sequence change replaces serine, which is neutral and polar, with phenylalanine, which is neutral and non-polar, at codon 217 of the TXNRD2 protein (p.Ser217Phe). This variant is not present in population databases (gnomAD no frequency). This variant has not been reported in the literature in individuals affected with TXNRD2-related conditions. Advanced modeling of protein sequence and biophysical properties (such as structural, functional, and spatial information, amino acid conservation, physicochemical variation, residue mobility, and thermodynamic stability) performed at Invitae indicates that this missense variant is not expected to disrupt TXNRD2 protein function. In summary, the available evidence is currently insufficient to determine the role of this variant in disease. Therefore, it has been classified as a Variant of Uncertain Significance.